The following is an entry in ClinVar:

NM_000187.4(HGD):c.1A>G (p.Met1Val)

Gene: HGD (homogentisate 1,2-dioxygenase; minus strand). Cytogenetic location: 3q13.33.
Variant type: single nucleotide variant.
Coding change: c.1A>G on transcript NM_000187.4 (MANE Select); coding-DNA position 1, A replaced by G.
Protein change: p.Met1Val; changes the start codon (methionine 1).
Molecular consequence: missense variant, initiator codon variant.
Genome position (GRCh38, 1-based): chr3:120,682,111, T>C on the plus strand (A>G on the coding strand, the complement: HGD is on the minus strand). VCF-style: chr3-120682111-T-C. GRCh37 (hg19) VCF-style: chr3-120400958-T-C.
Other names: short protein forms M1V.
Identifiers: ClinVar variation 929477 (VCV000929477.3), dbSNP rs1708240463, ClinGen allele CA354084277.
Genomic context (GRCh38, chr3:120,682,111, plus strand): 5'-ATTTTGGCTGAAGAAGCCATAGCAAACTTGTCAGATGGTTTCTTACCTTTAACTCAGCCA[T>C]TTTCTCTCTCCTCTATGTGTGGTGACTTCAGGAAACCCAGGCCCAGAGGATATAAAGCCA-3'
Protein context (NP_000178.2, residues 1-11): [Met1Val]AELKYISGFG

ClinVar aggregate classification (germline): Pathogenic. Review status: criteria provided, single submitter (1 of 4 stars). 2 submissions from 2 submitters: Pathogenic (1). 1 of the submissions does not count toward it. Last evaluated 2020-03-03.

Conditions:
Alkaptonuria (AKU). Also called: Homogentisic acidura; Alkaptonuric ochronosis; Alcaptonuria; HOMOGENTISIC ACID OXIDASE DEFICIENCY. Identifiers: Orphanet 56, MedGen C0002066, MONDO:0008753, OMIM 203500.

Submissions (2):

Laboratory of Inherited Metabolic Diseases, Research centre for medical genetics
Classification: Pathogenic for Alkaptonuria. Last evaluated: 2020-03-03. Review status: criteria provided, single submitter. Criteria: ACMG Guidelines, 2015. Collection method: clinical testing. Allele origin: germline. Inheritance: Autosomal recessive inheritance. Affected: yes. Observed: 1 variant allele.
Comment: Severe damage of the musculoskeletal system

Department Of Human Genetics, Institute Of Clinical And Translational Research, Biomedical Research Center, Slovak Academy Of Sciences
Classification: Pathogenic for Alkaptonuria. Review status: no assertion criteria provided. Collection method: research. Allele origin: germline. Inheritance: Autosomal recessive inheritance. Affected: yes. Observed: 1 variant allele. Not counted in ClinVar's aggregate classification.
Comment: The variant was originally described in AKU patient in PMID:34504318 and PMID:33621656. It has been submitted to the HGD gene mutation database (DB-ID: AKU_00230).

Literature cited by the submitters: PubMed 34504318 (cited by Department Of Human Genetics, Institute Of Clinical And Translational Research, Biomedical Research Center, Slovak Academy Of Sciences); PubMed 33621656 (cited by Department Of Human Genetics, Institute Of Clinical And Translational Research, Biomedical Research Center, Slovak Academy Of Sciences).